The following continues an entry in ClinVar:

NM_000256.3(MYBPC3):c.1504C>T (p.Arg502Trp)

Gene: MYBPC3. ClinVar aggregate classification (germline): Pathogenic/Likely pathogenic. Pathogenic (34); Likely pathogenic (2).

Submissions 19 to 35 of 41:

Laboratory for Molecular Medicine, Mass General Brigham Personalized Medicine
Classification: Pathogenic for Hypertrophic cardiomyopathy. Last evaluated: 2023-06-08. Review status: criteria provided, single submitter. Criteria: ACMG Guidelines, 2015. Collection method: clinical testing. Allele origin: germline. Inheritance: Autosomal dominant inheritance.
Comment: The p.Arg502Trp variant in MYBPC3 is a known pathogenic variant for hypertrophic cardiomyopathy (HCM). It has been reported across multiple studies in >150 individuals with HCM and has been shown to segregate with disease in multiple families (Richard 2003 PMID: 12707239, Van Driest 2004 PMID: 15519027, Carballo 2005 abstract, Ingles 2005 PMID: 16199542, Maron 2008 PMID: 18809796, Kaski 2009 PMID: 20031618, Marston 2009 PMID: 19574547, Saltzman 2010 PMID: 20378854, Walsh 2016 PMID: 27532257, LMM data, ClinVar Variation ID 42540). It has also been identified in 0.02% (11/68032) European chromosomes by gnomAD (v.3.1.2). Please note that for diseases with clinical variability or reduced penetrance, pathogenic variants may be present at a low frequency in the general population. In summary, this variant meets criteria to be classified as pathogenic for autosomal dominant HCM. ACMG/AMP criteria applied: PS4, PP1_Strong.

Greenwood Genetic Center Diagnostic Laboratories, Greenwood Genetic Center
Classification: Pathogenic for MYBPC3-related disorder. Last evaluated: 2023-03-28. Review status: criteria provided, single submitter. Criteria: ACMG Guidelines, 2015. Collection method: clinical testing. Allele origin: germline.
Comment: PS3_Moderate, PS4, PM5, PP1, PP3

Clinical Genetics Laboratory, Skane University Hospital Lund
Classification: Pathogenic. Last evaluated: 2022-07-13. Review status: criteria provided, single submitter. Criteria: ACMG Guidelines, 2015. Collection method: clinical testing. Allele origin: germline. Affected: yes.

Baylor Genetics
Classification: Pathogenic for Hypertrophic cardiomyopathy 4. Last evaluated: 2022-06-27. Review status: criteria provided, single submitter. Criteria: ACMG Guidelines, 2015. Collection method: clinical testing. Allele origin: unknown.

AiLife Diagnostics
Classification: Likely pathogenic. Last evaluated: 2021-12-22. Review status: criteria provided, single submitter. Criteria: ACMG Guidelines, 2015. Collection method: clinical testing. Allele origin: germline. Affected: yes. Observed: 5 variant alleles.

Genetics and Molecular Pathology, SA Pathology
Classification: Pathogenic for Hypertrophic cardiomyopathy 4. Last evaluated: 2021-08-11. Review status: criteria provided, single submitter. Criteria: ACMG Guidelines, 2015. Collection method: clinical testing. Allele origin: germline. Affected: yes.

GeneDx
Classification: Pathogenic. Last evaluated: 2020-01-17. Review status: criteria provided, single submitter. Criteria: GeneDx Variant Classification Process June 2021. Collection method: clinical testing. Allele origin: germline. Affected: yes.
Comment: Published functional studies using cardiomyocytes derived from induced pluripotent stem cells demonstrate R502W alters protein function (Cohn et al., 2019); In silico analysis, which includes protein predictors and evolutionary conservation, supports a deleterious effect; This variant is associated with the following publications: (PMID: 18809796, 25637381, 28166811, 28615295, 22267749, 25058872, 19574547, 22589294, 20378854, 12707239, 27625337, 23711808, 27639548, 28138913, 27532257, 21310275, 27831900, 23299917, 24055113, 27000522, 28420666, 15519027, 25132132, 23396983, 23642604, 29121657, 30554920, 30316040, 31006259, 30471092, 31447099, 31980526, 33500567, 34011823, 33906374, 32686758, 33673806, 32746448, 34088380)

HudsonAlpha Institute for Biotechnology
Classification: Pathogenic for Hypertrophic cardiomyopathy 4. Last evaluated: 2019-12-30. Review status: criteria provided, single submitter. Criteria: ACMG Guidelines, 2015. Collection method: research. Allele origin: unknown. Observed: 5 variant alleles. Study: AGHI_GT.

Cambridge Genomics Laboratory, East Genomic Laboratory Hub, NHS Genomic Medicine Service
Classification: Pathogenic for Hypertrophic cardiomyopathy. Last evaluated: 2019-09-13. Review status: criteria provided, single submitter. Criteria: ACGS Best Practice Guidelines for Variant Classification in Rare Disease 2020. Collection method: clinical testing. Allele origin: germline. Affected: yes. Observed: 1 variant allele.

Eurofins Ntd Llc (ga)
Classification: Pathogenic. Last evaluated: 2018-07-10. Review status: criteria provided, single submitter. Criteria: EGL ClinVar v180209 classification definitions. Collection method: clinical testing. Allele origin: germline. Observed: 1 variant allele, 1 heterozygote.

Illumina Laboratory Services, Illumina
Classification: Pathogenic for MYBPC3-Related Disorders. Last evaluated: 2018-05-07. Review status: criteria provided, single submitter. Criteria: ICSL Variant Classification Criteria 09 May 2019. Collection method: clinical testing. Allele origin: germline.
Comment: The MYBPC3 c.1504C>T (p.Arg502Trp) missense variant is well documented as a pathogenic variant for hypertrophic cardiomyopathy (HCM). Across a selection of the available literature, the p.Arg502Trp variant has been identified in heterozygous state in at least 44 individuals diagnosed with HCM. Two of the individuals carried another variant in the MYBPC3 gene in a compound heterozygous state with the p.Arg502Trp variant, and another 11 carried an additional variant in either MYBPC3 or another sarcomere gene (Richard et al. 2003; Van Driest et al. 2004; Ingles et al. 2005; Maron et al. 2008; Marston et al. 2009; Saltzman et al. 2010; Kaski et al. 2012; Lopes et al. 2013; Camuglia et al. 2013). The Arg502Trp variant has also been reported in a heterozygous state in three individuals diagnosed with left ventricular noncompaction cardiomyopathy. The p.Arg502Trp variant was absent from 945 controls (Van Driest et al. 2004; Saltzman et al. 2010) and is reported at a frequency of 0.0001026 in the European (non-Finnish) population of the Genome Aggregation Database. The variant has been shown to segregate with disease in multiple families (Saltzman et al. 2010). Based on the collective evidence, the p.Arg502Trp variant is classified as pathogenic for MYBPC3-related disorders. This variant was observed by ICSL as part of a predisposition screen in an ostensibly healthy population.

Human Genome Sequencing Center Clinical Lab, Baylor College of Medicine
Classification: Pathogenic for Hypertrophic cardiomyopathy 4. Last evaluated: 2017-05-11. Review status: criteria provided, single submitter. Criteria: ACMG Guidelines, 2015. Collection method: clinical testing. Allele origin: germline.
Comment: This c.1504C>T (p.Arg502Trp) variant has been reported in multiple patients with hypertrophic cardiomyopathy (HCM) [PMID 1270723, 22589294, 23396983, 20378854, 23642604]. The variant was detected in 34 individuals from a large study of 1,414 unrelated HCM patients [PMID 20378854]. From this study, it was estimated that this variant conveys a 340-fold increased risk for HCM by 45 years and the clinical prognosis worsens when this c.1504C>T (p.Arg502Trp) change occurs in the setting of a pathogenic variant in another sarcomere protein gene [PMID 20378854]. This variant is common among HCM patients, occurring in an estimated 2.4% of patients [PMID 20378854]. This variant was reported in 3 heterozygous individuals in the ExAC database. Arginine at position 502 of the MYBPC3 protein is highly conserved in mammals. While not validated for clinical use, computer-based algorithms predict this p.Arg502Trp change to be deleterious. This variant is thus classified as pathogenic.

Agnes Ginges Centre for Molecular Cardiology, Centenary Institute
Classification: Pathogenic for Hypertrophic cardiomyopathy 1. Last evaluated: 2017-03-16. Review status: criteria provided, single submitter. Criteria: Agnes Ginges Centre for Molecular Cardiology criteria (2015). Collection method: research. Allele origin: germline. Inheritance: Autosomal dominant inheritance. Affected: yes.
Comment: The MYBPC3 Arg502Trp s a well known cause of HCM, being reported in multiple HCM cases worldwide and segregating with HCM in families (see Ross et al. Circulation CV Genetics, 2017). The variant is present in the Exome Aggregation Consortium dataset (MAF=0.000025). We have identified this variant in 14 HCM families with some segregation data (total of 7 meiosis). Computational tools SIFT, PolyPhen-2 and MutationTaster predict this variant to be deleterious. In summary, based on segregation, extensive reports of HCM cases with the variant and rarity in the general population, we classify MYBPC3 Arg502Trp as "Pathogenic".

Athena Diagnostics
Classification: Likely pathogenic. Last evaluated: 2016-12-16. Review status: criteria provided, single submitter. Criteria: Athena Diagnostics Criteria. Collection method: clinical testing. Allele origin: germline.

Women's Health and Genetics/Laboratory Corporation of America, LabCorp
Classification: Pathogenic for Cardiovascular phenotype. Last evaluated: 2016-07-26. Review status: criteria provided, single submitter. Criteria: LabCorp Variant Classification Summary - May 2015. Collection method: clinical testing. Allele origin: germline.
Comment: Variant summary: The MYBPC3 c.1504C>T (p.Arg502Trp) variant involves the alteration of a conserved nucleotide. 5/5 in silico tools predict a damaging outcome for this variant. This variant was found in 3/122664 control chromosomes at a frequency of 0.0000245, which does not exceed the estimated maximal expected allele frequency of a pathogenic MYBPC3 variant (0.0010005). This variant has been reported in numerous HCM patients, with evidence of co-segregation of variant with disease in some of the families. Structure study predicted the R502W mutation and other HCM-linked mutations found within the same C3 domain, may directly disrupt the interaction of cMyBP-C with other sarcomeric proteins (Zhang_2014). In addition, multiple clinical diagnostic laboratories/reputable databases classified this variant as pathogenic. It is the most common pathogenic HCM variant identified by our laboratory. Taken together, this variant is classified as pathogenic.

Stanford Center for Inherited Cardiovascular Disease, Stanford University
Classification: Pathogenic. Last evaluated: 2014-07-08. Review status: criteria provided, single submitter. Criteria: ACMG Guidelines, 2015. Collection method: provider interpretation. Allele origin: germline.

Clinical Genetics Service, Universitary Hospital 12 de Octubre
Classification: Pathogenic for Hypertrophic cardiomyopathy 4. Review status: criteria provided, single submitter. Criteria: ACMG Guidelines, 2015. Collection method: clinical testing. Allele origin: germline. Affected: yes.